The following is an entry in ClinVar:

NM_001164760.2(PRKAR1B):c.1A>G (p.Met1Val)

Gene: PRKAR1B (protein kinase cAMP-dependent type I regulatory subunit beta; minus strand). Cytogenetic location: 7p22.3.
Variant type: single nucleotide variant.
Coding change: c.1A>G on transcript NM_001164760.2 (MANE Select); coding-DNA position 1, A replaced by G.
Protein change: p.Met1Val; changes the start codon (methionine 1).
Molecular consequence: missense variant, initiator codon variant.
Genome position (GRCh38, 1-based): chr7:711,505, T>C on the plus strand (A>G on the coding strand, the complement: PRKAR1B is on the minus strand). VCF-style: chr7-711505-T-C. GRCh37 (hg19) VCF-style: chr7-751142-T-C.
Other names: c.1A>G, p.Met1Val (NM_001164758.2, NM_001164759.1, NM_001164761.2 and 2 more transcripts); short protein forms M1V.
Identifiers: ClinVar variation 1706392 (VCV001706392.3), dbSNP rs1433753191, ClinGen allele CA366537514.

ClinVar aggregate classification (germline): Uncertain significance (1 of 4 stars; one submission).

Allele frequency attached by ClinVar (database versions not stated): TOPMed below 0.00001; gnomAD 0.00001.

Submission:

GeneDx
Classification: Uncertain significance. Last evaluated: 2022-03-19. Review status: criteria provided, single submitter. Criteria: GeneDx Variant Classification Process June 2021. Collection method: clinical testing. Allele origin: germline. Affected: yes.
Comment: Not observed at significant frequency in large population cohorts (gnomAD); Initiation codon variant in a gene for which loss of function is not a known mechanism of disease; Has not been previously published as pathogenic or benign to our knowledge